The following is an entry in ClinVar:

NM_144701.3(IL23R):c.469A>G (p.Lys157Glu)

Gene: IL23R (interleukin 23 receptor; plus strand). Cytogenetic location: 1p31.3.
Variant type: single nucleotide variant.
Coding change: c.469A>G on transcript NM_144701.3 (MANE Select); coding-DNA position 469, A replaced by G.
Protein change: p.Lys157Glu; replaces lysine 157 with glutamic acid.
Molecular consequence: missense variant.
Genome position (GRCh38, 1-based): chr1:67,182,937, A>G. VCF-style: chr1-67182937-A-G. GRCh37 (hg19) VCF-style: chr1-67648620-A-G.
Other names: short protein forms K157E.
Identifiers: ClinVar variation 3679713 (VCV003679713.2).
Genomic context (GRCh38, chr1:67,182,937, plus strand): 5'-GAATATTCAGGCAACATGACTTGCACCTGGAATGCTGGGAAGCTCACCTACATAGACACA[A>G]AATACGTGGTACATGTGAAGAGGTAGGTCACTTCCTCACGGCTTCATATAAGCAGTTCCA-3'
Protein context (NP_653302.2, residues 147-167): NAGKLTYIDT[Lys157Glu]YVVHVKSLET

ClinVar aggregate classification (germline): Uncertain significance (1 of 4 stars; one submission).

Submission:

Labcorp Genetics (formerly Invitae), Labcorp
Classification: Uncertain significance. Last evaluated: 2025-12-23. Review status: criteria provided, single submitter. Criteria: Invitae Variant Classification Sherloc (09022015). Collection method: clinical testing. Allele origin: germline.
Comment: This sequence change replaces lysine, which is basic and polar, with glutamic acid, which is acidic and polar, at codon 157 of the IL23R protein (p.Lys157Glu). This variant is not present in population databases (gnomAD no frequency). This variant has not been reported in the literature in individuals affected with IL23R-related conditions. ClinVar contains an entry for this variant (Variation ID: 3679713). An algorithm developed to predict the effect of missense changes on protein structure and function outputs the following: PolyPhen-2: "Possibly Damaging". The glutamic acid amino acid residue is found in multiple mammalian species, which suggests that this missense change does not adversely affect protein function. In summary, the available evidence is currently insufficient to determine the role of this variant in disease. Therefore, it has been classified as a Variant of Uncertain Significance.